The following is an entry in ClinVar:

NM_000059.4(BRCA2):c.5578A>T (p.Lys1860Ter)

Gene: BRCA2 (BRCA2 DNA repair associated; plus strand). Cytogenetic location: 13q13.1.
Variant type: single nucleotide variant.
Coding change: c.5578A>T on transcript NM_000059.4 (MANE Select); coding-DNA position 5578, A replaced by T.
Protein change: p.Lys1860Ter; replaces lysine 1860 with a stop codon.
Molecular consequence: nonsense.
Genome position (GRCh38, 1-based): chr13:32,339,933, A>T. VCF-style: chr13-32339933-A-T. GRCh37 (hg19) VCF-style: chr13-32914070-A-T.
Other names: 5806A>T; short protein forms K1860*.
Identifiers: ClinVar variation 96823 (VCV000096823.19), dbSNP rs431825332, ClinGen allele CA022617.

ClinVar aggregate classification (germline): Pathogenic. Review status: reviewed by expert panel (3 of 4 stars). 5 submissions from 5 submitters: Pathogenic (1). 4 of the submissions do not count toward it. Last evaluated 2016-09-08.

Conditions:
Hereditary cancer-predisposing syndrome. Also called: Hereditary Cancer Syndrome; Neoplastic Syndromes, Hereditary; Hereditary neoplastic syndrome; Tumor predisposition. Identifiers: Orphanet 140162, MedGen C0027672, MeSH D009386, MONDO:0015356.
Hereditary breast ovarian cancer syndrome. Also called: Breast and ovarian cancer; Hereditary breast and/or ovarian cancer syndrome; Hereditary breast and ovarian cancer; Hereditary breast and ovarian cancer syndrome; Hereditary breast and ovarian cancer syndrome (HBOC); BRCA1- and BRCA2-Associated Hereditary Breast and Ovarian Cancer. Identifiers: Orphanet 145, MedGen C0677776, MeSH D061325, MONDO:0003582. Disease mechanism: loss of function.
Breast-ovarian cancer, familial, susceptibility to, 2 (BROVCA2). Also called: BRCA2 Hereditary Breast and Ovarian Cancer. Identifiers: Orphanet 145, MedGen C2675520, MONDO:0012933, OMIM 612555. Disease mechanism: loss of function.

Submissions (5):

Evidence-based Network for the Interpretation of Germline Mutant Alleles (ENIGMA)
Classification: Pathogenic for Breast-ovarian cancer, familial, susceptibility to, 2. Last evaluated: 2016-09-08. Review status: reviewed by expert panel. Criteria: ENIGMA BRCA1/2 Classification Criteria (2015). Collection method: curation. Allele origin: germline.
Comment: Variant allele predicted to encode a truncated non-functional protein.

Labcorp Genetics (formerly Invitae), Labcorp
Classification: Pathogenic for Hereditary breast ovarian cancer syndrome. Last evaluated: 2025-11-18. Review status: criteria provided, single submitter. Criteria: Invitae Variant Classification Sherloc (09022015). Collection method: clinical testing. Allele origin: germline. Not counted in ClinVar's aggregate classification.
Comment: This sequence change creates a premature translational stop signal (p.Lys1860*) in the BRCA2 gene. It is expected to result in an absent or disrupted protein product. Loss-of-function variants in BRCA2 are known to be pathogenic (PMID: 20104584). This variant is not present in population databases (gnomAD no frequency). This variant has not been reported in the literature in individuals affected with BRCA2-related conditions. ClinVar contains an entry for this variant (Variation ID: 96823). For these reasons, this variant has been classified as Pathogenic.

Ambry Genetics
Classification: Pathogenic for Hereditary cancer-predisposing syndrome. Last evaluated: 2025-08-27. Review status: criteria provided, single submitter. Criteria: Ambry Variant Classification Scheme 2023. Collection method: clinical testing. Allele origin: germline. Not counted in ClinVar's aggregate classification.
Comment: The p.K1860* pathogenic mutation (also known as c.5578A>T), located in coding exon 10 of the BRCA2 gene, results from an A to T substitution at nucleotide position 5578. This changes the amino acid from a lysine to a stop codon within coding exon 10. This variant is considered to be rare based on population cohorts in the Genome Aggregation Database (gnomAD). This alteration is expected to result in loss of function by premature protein truncation or nonsense-mediated mRNA decay. As such, this alteration is interpreted as a disease-causing mutation.

Quest Diagnostics Nichols Institute San Juan Capistrano
Classification: Pathogenic. Last evaluated: 2021-05-26. Review status: criteria provided, single submitter. Criteria: Quest Diagnostics criteria. Collection method: clinical testing. Allele origin: unknown. Not counted in ClinVar's aggregate classification.
Comment: This nonsense variant causes the premature termination of BRCA2 protein synthesis. It has been reported in symptomatic individuals with breast and/or ovarian cancer in the published literature (PMIDs: 31472684 (2019) and 31825140 (2019)). This variant has not been reported in large, multi-ethnic general populations. Based on the available information, this variant is classified as pathogenic.

Sharing Clinical Reports Project (SCRP)
Classification: Pathogenic for Breast-ovarian cancer, familial 2. Last evaluated: 2012-05-01. Review status: no assertion criteria provided. Collection method: clinical testing. Allele origin: germline. Not counted in ClinVar's aggregate classification.

Literature cited by the submitters: PubMed 20104584 (cited by Labcorp Genetics (formerly Invitae), Labcorp); PubMed 28152038 (cited by Quest Diagnostics Nichols Institute San Juan Capistrano); PubMed 31825140 (cited by Quest Diagnostics Nichols Institute San Juan Capistrano); PubMed 31472684 (cited by Quest Diagnostics Nichols Institute San Juan Capistrano); PubMed 30702160 (cited by Quest Diagnostics Nichols Institute San Juan Capistrano).